The following is an entry in ClinVar:

ClinVar aggregate classification (germline): Uncertain significance (1 of 4 stars; one submission).

Allele frequency attached by ClinVar (database versions not stated): TOPMed below 0.00001.

Submission:

Labcorp Genetics (formerly Invitae), Labcorp
Classification: Uncertain significance. Last evaluated: 2022-03-19. Review status: criteria provided, single submitter. Criteria: Invitae Variant Classification Sherloc (09022015). Collection method: clinical testing. Allele origin: germline.
Comment: In summary, the available evidence is currently insufficient to determine the role of this variant in disease. Therefore, it has been classified as a Variant of Uncertain Significance. Algorithms developed to predict the effect of missense changes on protein structure and function are either unavailable or do not agree on the potential impact of this missense change (SIFT: "Not Available"; PolyPhen-2: "Probably Damaging"; Align-GVGD: "Not Available"). This variant has not been reported in the literature in individuals affected with UNC80-related conditions. This variant is not present in population databases (gnomAD no frequency). This sequence change replaces glutamine with proline at codon 2684 of the UNC80 protein (p.Gln2684Pro). The glutamine residue is moderately conserved and there is a moderate physicochemical difference between glutamine and proline.

NM_001371986.1(UNC80):c.8249A>C (p.Gln2750Pro)

Gene: UNC80 (unc-80 subunit of NALCN channel complex; plus strand). Cytogenetic location: 2q34.
Variant type: single nucleotide variant.
Coding change: c.8249A>C on transcript NM_001371986.1 (MANE Select); coding-DNA position 8249, A replaced by C.
Protein change: p.Gln2750Pro; replaces glutamine 2750 with proline.
Molecular consequence: missense variant.
Genome position (GRCh38, 1-based): chr2:209,970,950, A>C. VCF-style: chr2-209970950-A-C. GRCh37 (hg19) VCF-style: chr2-210835674-A-C.
Other names: c.8051A>C, p.Gln2684Pro (NM_032504.2); c.8036A>C, p.Gln2679Pro (NM_182587.4); short protein forms Q2684P, Q2750P, Q2679P.
Identifiers: ClinVar variation 1442451 (VCV001442451.6), dbSNP rs2092866354, ClinGen allele CA350412776.